The following is an entry in ClinVar:

ClinVar aggregate classification (germline): Uncertain significance. Review status: criteria provided, multiple submitters, no conflicts (2 of 4 stars). 2 submissions from 2 submitters: Uncertain significance (2). Last evaluated 2024-04-06.

Conditions:
POLD1-related polyposis and colorectal cancer syndrome (CRCS10). Also called: Colorectal cancer, susceptibility to, 10; Colorectal cancer 10; COLORECTAL CANCER, SUSCEPTIBILITY TO, ON CHROMOSOME 19q. Identifiers: Orphanet 220460, MedGen C2675481, MONDO:0012953, OMIM 612591.

Allele frequency attached by ClinVar (database versions not stated): gnomAD 0.00001.
gnomAD v4.1: 1 of 1,613,738 alleles (0.000062%); highest among the groups gnomAD compares: Non-Finnish European, 0.000085%; no homozygotes.

Submissions (2):

Labcorp Genetics (formerly Invitae), Labcorp
Classification: Uncertain significance for POLD1-related polyposis and colorectal cancer syndrome. Last evaluated: 2024-04-06. Review status: criteria provided, single submitter. Criteria: Invitae Variant Classification Sherloc (09022015). Collection method: clinical testing. Allele origin: germline.
Comment: This sequence change affects a donor splice site in intron 11 of the POLD1 gene. Missense variants that disrupt the 3'-5' exonuclease (proof-reading) activity of the POLD1 protein are associated with PPAP (polymerase proofreading–associated polyposis) (PMID: 23263490, 23447401). However, loss-of-function variants that result in an absent or severely disrupted POLD1 protein, and missense variants outside the exonuclease domain, are unlikely to be associated with PPAP. This variant is not present in population databases (gnomAD no frequency). This variant has not been reported in the literature in individuals affected with POLD1-related conditions. Algorithms developed to predict the effect of sequence changes on RNA splicing suggest that this variant may disrupt the consensus splice site. In summary, the available evidence is currently insufficient to determine the role of this variant in disease. Therefore, it has been classified as a Variant of Uncertain Significance.

Quest Diagnostics Nichols Institute San Juan Capistrano
Classification: Uncertain significance. Last evaluated: 2022-12-28. Review status: criteria provided, single submitter. Criteria: Quest Diagnostics criteria. Collection method: clinical testing. Allele origin: unknown.
Comment: This variant disrupts a canonical splice-donor site and is predicted to interfere with normal POLD1 mRNA splicing. To the best of our knowledge, the variant has not been reported in online databases or the published literature. The frequency of this variant in the general population, 0.000015 (1/68008 chromosomes), is uninformative in assessment of its pathogenicity. Based on the available information, we are unable to determine the clinical significance of this variant.

Literature cited by the submitters: PubMed 23263490 (cited by Labcorp Genetics (formerly Invitae), Labcorp); PubMed 23447401 (cited by Labcorp Genetics (formerly Invitae), Labcorp).

NM_002691.4(POLD1):c.1383+1G>A

Gene: POLD1 (DNA polymerase delta 1, catalytic subunit; plus strand). Cytogenetic location: 19q13.33.
Variant type: single nucleotide variant.
Coding change: c.1383+1G>A on transcript NM_002691.4 (MANE Select); the canonical splice donor site of the intron after coding-DNA position 1383, G replaced by A.
Molecular consequence: splice donor variant.
Genome position (GRCh38, 1-based): chr19:50,406,323, G>A. VCF-style: chr19-50406323-G-A. GRCh37 (hg19) VCF-style: chr19-50909580-G-A.
Other names: c.1383+1G>A (NM_001256849.1, NM_001308632.1).
Identifiers: ClinVar variation 2682049 (VCV002682049.3), dbSNP rs935770440, ClinGen allele CA406980001.